The following is an entry in ClinVar:

NM_000284.4(PDHA1):c.831+15C>T

Gene: PDHA1 (pyruvate dehydrogenase E1 subunit alpha 1; plus strand). Cytogenetic location: Xp22.12.
Variant type: single nucleotide variant.
Coding change: c.831+15C>T on transcript NM_000284.4 (MANE Select); 15 bases into the intron after coding-DNA position 831, C replaced by T.
Molecular consequence: intron variant.
Genome position (GRCh38, 1-based): chrX:19,355,772, C>T. VCF-style: chrX-19355772-C-T. GRCh37 (hg19) VCF-style: chrX-19373890-C-T.
Other names: c.945+15C>T (NM_001173454.2); c.852+15C>T (NM_001173455.2); c.738+15C>T (NM_001173456.2).
Identifiers: ClinVar variation 138646 (VCV000138646.15), dbSNP rs190157093, ClinGen allele CA292721.
Genomic context (GRCh38, chrX:19,355,772, plus strand): 5'-CCGAGAGGCAACAAGGTTTGCTGCTGCCTATTGTAGATCTGGGAAGGTAAGGCTCTAAAG[C>T]CCTCTGGGCTAGTGACATTTATCTCTGGAAGTTCAAAGACTGCCTCCCATGTGCCTGCTG-3'

ClinVar aggregate classification (germline): Benign/Likely benign. Review status: criteria provided, multiple submitters, no conflicts (2 of 4 stars). 5 submissions from 5 submitters: Benign (4); Likely benign (1). Last evaluated 2026-02-04.

Conditions:
Pyruvate dehydrogenase E1-alpha deficiency (PDHAD). Also called: Ataxia, intermittent, with pyruvate dehydrogenase, or decarboxylase, deficiency; ATAXIA, INTERMITTENT, WITH PYRUVATE DEHYDROGENASE DEFICIENCY; ATAXIA WITH LACTIC ACIDOSIS I; ATAXIA, INTERMITTENT, WITH ABNORMAL PYRUVATE METABOLISM. Identifiers: Orphanet 79243, MedGen C1839413, MONDO:0010717, OMIM 312170.

Allele frequency attached by ClinVar (database versions not stated): 1000 Genomes Project 30x 0.00312; TOPMed 0.00334; 1000 Genomes Project 0.00344; gnomAD 0.00379 and 0.00382; ExAC 0.00429; ESP Exome Variant Server 0.00445; gnomAD exomes 0.00469 and 0.00484.
gnomAD v4.1: 5,432 of 1,151,279 alleles (0.47%); highest among the groups gnomAD compares: South Asian, 0.55%; 20 homozygotes.

Submissions (5):

Labcorp Genetics (formerly Invitae), Labcorp
Classification: Benign for Pyruvate dehydrogenase E1-alpha deficiency. Last evaluated: 2026-02-04. Review status: criteria provided, single submitter. Criteria: Invitae Variant Classification Sherloc (09022015). Collection method: clinical testing. Allele origin: germline.

Blueprint Genetics
Classification: Likely benign. Last evaluated: 2024-11-28. Review status: criteria provided, single submitter. Criteria: ACMG Guidelines, 2015. Collection method: clinical testing. Allele origin: germline.

Illumina Laboratory Services, Illumina
Classification: Benign for Pyruvate dehydrogenase E1-alpha deficiency. Last evaluated: 2018-01-13. Review status: criteria provided, single submitter. Criteria: ICSL Variant Classification Criteria 13 December 2019. Collection method: clinical testing. Allele origin: germline.
Comment: This variant was observed in the ICSL laboratory as part of a predisposition screen in an ostensibly healthy population. It had not been previously curated by ICSL or reported in the Human Gene Mutation Database (HGMD: prior to June 1st, 2018), and was therefore a candidate for classification through an automated scoring system. Utilizing variant allele frequency, disease prevalence and penetrance estimates, and inheritance mode, an automated score was calculated to assess if this variant is too frequent to cause the disease. Based on the score and internal cut-off values, a variant classified as benign is not then subjected to further curation. The score for this variant resulted in a classification of benign for this disease.

GeneDx
Classification: Benign. Last evaluated: 2011-07-06. Review status: criteria provided, single submitter. Criteria: GeneDx Variant Classification (06012015). Collection method: clinical testing. Allele origin: germline. Affected: yes.
Comment: This variant is considered likely benign or benign based on one or more of the following criteria: it is a conservative change, it occurs at a poorly conserved position in the protein, it is predicted to be benign by multiple in silico algorithms, and/or has population frequency not consistent with disease.

Breakthrough Genomics
Classification: Benign. Review status: criteria provided, single submitter. Criteria: ACMG Guidelines, 2015. Collection method: not provided. Allele origin: germline. Inheritance: X-linked inheritance. Affected: yes.